The following is an entry in ClinVar:

ClinVar aggregate classification (germline): Pathogenic (1 of 4 stars; one submission).

Conditions:
Cardiovascular phenotype. Identifiers: MedGen CN230736.

Submission:

Ambry Genetics
Classification: Pathogenic for Cardiovascular phenotype. Last evaluated: 2017-03-27. Review status: criteria provided, single submitter. Criteria: Ambry Variant Classification Scheme 2023. Collection method: clinical testing. Allele origin: germline.
Comment: The c.457_458dupAG pathogenic mutation, located in coding exon 4 of the ENG gene, results from a duplication of AG at nucleotide position 457, causing a translational frameshift with a predicted alternate stop codon (p.P155Afs*9). This alteration is expected to result in loss of function by premature protein truncation or nonsense-mediated mRNA decay. As such, this alteration is interpreted as a disease-causing mutation.

NM_001114753.3(ENG):c.457_458dup (p.Pro155fs)

Gene: ENG (endoglin; minus strand). Cytogenetic location: 9q34.11.
Variant type: Microsatellite.
Coding change: c.457_458dup on transcript NM_001114753.3 (MANE Select); coding-DNA positions 457 to 458, 2 bases duplicated (AG; older notation c.457_458dupAG).
Protein change: p.Pro155fs; shifts the reading frame from proline 155.
Molecular consequence: frameshift variant. On other transcripts: 5 prime UTR variant (1).
Genome position (GRCh38, 1-based): chr9:127,826,575-127,826,576, CT duplicated on the plus strand (AG on the coding strand, the reverse complement: ENG is on the minus strand); duplicating any 2 consecutive bases within chr9:127,826,575-127,826,579 gives the same sequence; the c. name uses the placement nearest the transcript's 3' end. VCF-style (leftmost placement, unchanged base first): chr9-127826574-C-CCT. GRCh37 (hg19) VCF-style: chr9-130588853-C-CCT.
Other names: c.454_455GA[3], p.Pro155Alafs (NM_000118.4, NM_001406715.1); c.-92AG[3] (NM_001278138.2); short protein forms P155fs.
Identifiers: ClinVar variation 1741566 (VCV001741566.2), dbSNP rs2131890509, ClinGen allele CA2580616317.